The following is an entry in ClinVar:

ClinVar aggregate classification (germline): Uncertain significance (1 of 4 stars; one submission).

Allele frequency attached by ClinVar (database versions not stated): gnomAD exomes below 0.00001; ExAC 0.00001.
gnomAD v4.1: 2 of 1,614,126 alleles (0.00012%); highest among the groups gnomAD compares: Non-Finnish European, 0.00017%; no homozygotes.

Submission:

Ambry Genetics
Classification: Uncertain significance. Last evaluated: 2022-12-10. Review status: criteria provided, single submitter. Criteria: Ambry Variant Classification Scheme 2023. Collection method: clinical testing. Allele origin: germline.
Comment: The p.F223C variant (also known as c.668T>G), located in coding exon 4 of the MNDA gene, results from a T to G substitution at nucleotide position 668. The phenylalanine at codon 223 is replaced by cysteine, an amino acid with highly dissimilar properties. This amino acid position is conserved. In addition, the in silico prediction for this alteration is inconclusive. Since supporting evidence is limited at this time, the clinical significance of this alteration remains unclear.

NM_002432.3(MNDA):c.668T>G (p.Phe223Cys)

Gene: MNDA (myeloid cell nuclear differentiation antigen; plus strand). Cytogenetic location: 1q23.1.
Variant type: single nucleotide variant.
Coding change: c.668T>G on transcript NM_002432.3 (MANE Select); coding-DNA position 668, T replaced by G.
Protein change: p.Phe223Cys; replaces phenylalanine 223 with cysteine.
Molecular consequence: missense variant.
Genome position (GRCh38, 1-based): chr1:158,845,684, T>G. VCF-style: chr1-158845684-T-G. GRCh37 (hg19) VCF-style: chr1-158815474-T-G.
Other names: short protein forms F223C.
Identifiers: ClinVar variation 2448164 (VCV002448164.2), dbSNP rs756031194, ClinGen allele CA1185687.